The following is an entry in ClinVar:

ClinVar aggregate classification (germline): Uncertain significance (1 of 4 stars; one submission).

Conditions:
Charcot-Marie-Tooth disease type 4. Also called: Charcot-Marie-Tooth disease, type IV; Charcot-Marie-Tooth, Type 4. Identifiers: Orphanet 64749, MedGen C4082197, MONDO:0018995.

Allele frequency attached by ClinVar (database versions not stated): gnomAD exomes below 0.00001 and 0.00001; gnomAD 0.00001; TOPMed 0.00001.
gnomAD v4.1: 7 of 1,613,982 alleles (0.00043%); highest among the groups gnomAD compares: Middle Eastern, 0.016%; no homozygotes.

Submission:

Labcorp Genetics (formerly Invitae), Labcorp
Classification: Uncertain significance for Charcot-Marie-Tooth disease type 4. Last evaluated: 2024-08-08. Review status: criteria provided, single submitter. Criteria: Invitae Variant Classification Sherloc (09022015). Collection method: clinical testing. Allele origin: germline.
Comment: This sequence change replaces valine, which is neutral and non-polar, with isoleucine, which is neutral and non-polar, at codon 101 of the MTMR2 protein (p.Val101Ile). This variant is present in population databases (no rsID available, gnomAD 0.0009%). This variant has not been reported in the literature in individuals affected with MTMR2-related conditions. ClinVar contains an entry for this variant (Variation ID: 640211). An algorithm developed to predict the effect of missense changes on protein structure and function (PolyPhen-2) suggests that this variant is likely to be tolerated. In summary, the available evidence is currently insufficient to determine the role of this variant in disease. Therefore, it has been classified as a Variant of Uncertain Significance.

NM_016156.6(MTMR2):c.301G>A (p.Val101Ile)

Gene: MTMR2 (myotubularin related protein 2; minus strand). Cytogenetic location: 11q21.
Variant type: single nucleotide variant.
Coding change: c.301G>A on transcript NM_016156.6 (MANE Select); coding-DNA position 301, G replaced by A.
Protein change: p.Val101Ile; replaces valine 101 with isoleucine.
Molecular consequence: missense variant.
Genome position (GRCh38, 1-based): chr11:95,862,328, C>T on the plus strand (G>A on the coding strand, the complement: MTMR2 is on the minus strand). VCF-style: chr11-95862328-C-T. GRCh37 (hg19) VCF-style: chr11-95595492-C-T.
Other names: c.85G>A, p.Val29Ile (NM_001243571.2, NM_201278.3, NM_201281.3); short protein forms V101I, V29I.
Identifiers: ClinVar variation 640211 (VCV000640211.10), dbSNP rs1340382592, ClinGen allele CA382430224.